The following is an entry in ClinVar:

NM_004260.4(RECQL4):c.922C>T (p.Pro308Ser)

Gene: RECQL4 (RecQ like helicase 4; minus strand). Cytogenetic location: 8q24.3.
Variant type: single nucleotide variant.
Coding change: c.922C>T on transcript NM_004260.4 (MANE Select); coding-DNA position 922, C replaced by T.
Protein change: p.Pro308Ser; replaces proline 308 with serine.
Molecular consequence: missense variant.
Genome position (GRCh38, 1-based): chr8:144,516,197, G>A on the plus strand (C>T on the coding strand, the complement: RECQL4 is on the minus strand). VCF-style: chr8-144516197-G-A. GRCh37 (hg19) VCF-style: chr8-145741581-G-A.
Other names: c.922C>T (NM_004260.3); c.922C>T, p.Pro308Ser (NM_001413017.1, NM_001413018.1, NM_001413019.1 and 4 more transcripts); c.-150C>T (NM_001413021.1, NM_001413022.1, NM_001413023.1 and 7 more transcripts); c.793C>T, p.Pro265Ser (NM_001413025.1); c.-212C>T (NM_001413027.1, NM_001413030.1, NM_001413031.1 and 2 more transcripts); c.571C>T, p.Pro191Ser (NM_001413029.1); c.-54C>T (NM_001413034.1); c.-419C>T (NM_001413043.1); short protein forms P265S, P191S, P308S.
Identifiers: ClinVar variation 2070928 (VCV002070928.5), dbSNP rs756016498, ClinGen allele CA187688632.

ClinVar aggregate classification (germline): Uncertain significance. Review status: criteria provided, multiple submitters, no conflicts (2 of 4 stars). 2 submissions from 2 submitters: Uncertain significance (2). Last evaluated 2026-02-23.

Conditions:
Inborn genetic diseases. Identifiers: MedGen C0950123, MeSH D030342.
Baller-Gerold syndrome (BGS). Also called: CRANIOSYNOSTOSIS WITH RADIAL DEFECTS. Identifiers: Orphanet 1225, MedGen C0265308, MONDO:0009039, OMIM 218600.

Submissions (2):

Ambry Genetics
Classification: Uncertain significance for Inborn genetic diseases. Last evaluated: 2026-02-23. Review status: criteria provided, single submitter. Criteria: Ambry Variant Classification Scheme 2023. Collection method: clinical testing. Allele origin: germline.
Comment: The p.P308S variant (also known as c.922C>T), located in coding exon 5 of the RECQL4 gene, results from a C to T substitution at nucleotide position 922. The proline at codon 308 is replaced by serine, an amino acid with similar properties. This amino acid position is conserved. In addition, this alteration is predicted to be tolerated by in silico analysis. Based on the available evidence, the clinical significance of this variant remains unclear.

Labcorp Genetics (formerly Invitae), Labcorp
Classification: Uncertain significance for Baller-Gerold syndrome. Last evaluated: 2023-10-23. Review status: criteria provided, single submitter. Criteria: Invitae Variant Classification Sherloc (09022015). Collection method: clinical testing. Allele origin: germline.
Comment: This sequence change replaces proline, which is neutral and non-polar, with serine, which is neutral and polar, at codon 308 of the RECQL4 protein (p.Pro308Ser). This variant is not present in population databases (gnomAD no frequency). This variant has not been reported in the literature in individuals affected with RECQL4-related conditions. ClinVar contains an entry for this variant (Variation ID: 2070928). Advanced modeling of protein sequence and biophysical properties (such as structural, functional, and spatial information, amino acid conservation, physicochemical variation, residue mobility, and thermodynamic stability) performed at Invitae indicates that this missense variant is not expected to disrupt RECQL4 protein function. In summary, the available evidence is currently insufficient to determine the role of this variant in disease. Therefore, it has been classified as a Variant of Uncertain Significance.